The following is an entry in ClinVar:

NM_002878.4(RAD51D):c.80C>A (p.Thr27Lys)

Genes: RAD51D (RAD51 paralog D; minus strand), RAD51L3-RFFL (RAD51L3-RFFL readthrough; minus strand). Cytogenetic location: 17q12.
Variant type: single nucleotide variant.
Coding change: c.80C>A on transcript NM_002878.4 (MANE Select); coding-DNA position 80, C replaced by A.
Protein change: p.Thr27Lys; replaces threonine 27 with lysine.
Molecular consequence: missense variant. On other transcripts: non-coding transcript variant (2).
Genome position (GRCh38, 1-based): chr17:35,119,534, G>T on the plus strand (C>A on the coding strand, the complement: RAD51D is on the minus strand). VCF-style: chr17-35119534-G-T. GRCh37 (hg19) VCF-style: chr17-33446553-G-T.
Other names: c.80C>A, p.Thr27Lys (NM_001142571.2, NM_133629.3); short protein forms T27K.
Identifiers: ClinVar variation 410557 (VCV000410557.32), dbSNP rs139642328, ClinGen allele CA16615737.

ClinVar aggregate classification (germline): Conflicting classifications of pathogenicity. Review status: criteria provided, conflicting classifications (1 of 4 stars). 10 submissions from 10 submitters: Uncertain significance (8); Likely benign (2). Last evaluated 2026-03-11.

Conditions:
Breast-ovarian cancer, familial, susceptibility to, 4. Identifiers: Orphanet 145, MedGen C3280345, MONDO:0013669, OMIM 614291.
Hereditary cancer-predisposing syndrome. Also called: Tumor predisposition; Hereditary neoplastic syndrome; Neoplastic Syndromes, Hereditary; Hereditary Cancer Syndrome. Identifiers: Orphanet 140162, MedGen C0027672, MeSH D009386, MONDO:0015356.
Hereditary breast ovarian cancer syndrome. Also called: Hereditary breast and ovarian cancer; Breast and ovarian cancer; BRCA1- and BRCA2-Associated Hereditary Breast and Ovarian Cancer; Hereditary breast and ovarian cancer syndrome; Hereditary breast and/or ovarian cancer syndrome; Hereditary breast and ovarian cancer syndrome (HBOC). Identifiers: Orphanet 145, MedGen C0677776, MeSH D061325, MONDO:0003582. Disease mechanism: loss of function.

Allele frequency attached by ClinVar (database versions not stated): gnomAD exomes 0.00001; gnomAD 0.00002; 1000 Genomes Project 30x 0.00016; 1000 Genomes Project 0.00020.
gnomAD v4.1: 88 of 1,611,852 alleles (0.0055%); highest among the groups gnomAD compares: East Asian, 0.19%; no homozygotes.

Submissions (10):

Women's Health and Genetics/Laboratory Corporation of America, LabCorp
Classification: Likely benign. Last evaluated: 2026-03-11. Review status: criteria provided, single submitter. Criteria: LabCorp Variant Classification Summary - May 2015. Collection method: clinical testing. Allele origin: germline.
Comment: Variant summary: RAD51D c.80C>A (p.Thr27Lys) results in a non-conservative amino acid change located in the DNA recombination and repair protein Rad51-like, C-terminal (IPR013632) of the encoded protein sequence. Algorithms developed to predict the effect of missense changes on protein structure and function are either unavailable or do not agree on the potential impact of this missense change. Consensus agreement among computation tools predict no significant impact on normal splicing. However, these predictions have yet to be confirmed by functional studies. The variant allele was found at a frequency of 0.0011 in 321790 control chromosomes. The observed variant frequency exceeds the estimated maximal expected allele frequency for disease-causing variants in RAD51D. c.80C>A has been observed in individual(s) affected with breast cancer or pancreatic cancer without strong evidence for causality (Guindalini_2022, Togashi_2025, Miura_2025). These report(s) do not provide unequivocal conclusions about association of the variant with Hereditary Breast And Ovarian Cancer Syndrome. To our knowledge, no experimental evidence demonstrating an impact on protein function has been reported. The following publications have been ascertained in the context of this evaluation (PMID: 35264596, 36243179, 39831988, 41085800). ClinVar contains an entry for this variant (Variation ID: 410557). Based on the evidence outlined above, the variant was classified as likely benign.

St. Jude Molecular Pathology, St. Jude Children's Research Hospital
Classification: Uncertain significance for Breast-ovarian cancer, familial, susceptibility to, 4. Last evaluated: 2026-02-11. Review status: criteria provided, single submitter. Criteria: St. Jude Assertion Criteria 2020. Collection method: clinical testing. Allele origin: germline.
Comment: The RAD51D c.80C>A p.(Thr27Lys) missense change has a maximum subpopulation frequency of 0.01% in gnomAD v2.1.1. The in silico tool REVEL is inconclusive about a pathogenic or benign effect of this variant on protein function, and to our knowledge functional studies have not been performed. To our knowledge, this variant has not been reported in individuals with RAD51D- associated conditions. In summary, the evidence currently available is insufficient to determine the clinical significance of this variant. It has therefore been classified as of uncertain significance.

Labcorp Genetics (formerly Invitae), Labcorp
Classification: Uncertain significance for Breast-ovarian cancer, familial, susceptibility to, 4. Last evaluated: 2026-01-19. Review status: criteria provided, single submitter. Criteria: Invitae Variant Classification Sherloc (09022015). Collection method: clinical testing. Allele origin: germline.
Comment: This sequence change replaces threonine, which is neutral and polar, with lysine, which is basic and polar, at codon 27 of the RAD51D protein (p.Thr27Lys). This variant is present in population databases (rs139642328, gnomAD 0.01%). This missense change has been observed in individual(s) with breast cancer (PMID: 35264596). ClinVar contains an entry for this variant (Variation ID: 410557). An algorithm developed to predict the effect of missense changes on protein structure and function (PolyPhen-2) suggests that this variant is likely to be disruptive. In summary, the available evidence is currently insufficient to determine the role of this variant in disease. Therefore, it has been classified as a Variant of Uncertain Significance.

Ambry Genetics
Classification: Uncertain significance for Hereditary cancer-predisposing syndrome. Last evaluated: 2025-06-12. Review status: criteria provided, single submitter. Criteria: Ambry Variant Classification Scheme 2023. Collection method: clinical testing. Allele origin: germline.
Comment: The p.T27K variant (also known as c.80C>A), located in coding exon 1 of the RAD51D gene, results from a C to A substitution at nucleotide position 80. The threonine at codon 27 is replaced by lysine, an amino acid with similar properties. This variant has been identified in 100/12503 unselected Japanese colorectal cancer patients and in 224/23705 controls (Fujita M et al. Clin Gastroenterol Hepatol, 2020 Dec;:). This alteration was also detected in a cohort of 1663 Brazilian breast cancer patients who underwent hereditary multigene panel testing (Guindalini RSC et al. Sci Rep, 2022 Mar;12:4190). This amino acid position is highly conserved in available vertebrate species. In addition, the in silico prediction for this alteration is inconclusive. Based on the available evidence, the clinical significance of this variant remains unclear.

Quest Diagnostics Nichols Institute San Juan Capistrano
Classification: Uncertain significance. Last evaluated: 2024-11-22. Review status: criteria provided, single submitter. Criteria: Quest Diagnostics criteria. Collection method: clinical testing. Allele origin: unknown.
Comment: The RAD51D c.80C>A (p.Thr27Lys) variant has been reported in the published literature in individuals affected with breast cancer (PMID: 35264596 (2022)), colorectal cancer (PMID: 33309985 (2022)), pancreatic cancer (PMID: 32980694 (2020)), and reportedly healthy individuals (PMIDs: 33309985 (2022), 32980694 (2020)). The frequency of this variant in the general population, 0.0000081 (2/246624 chromosomes (Genome Aggregation Database)), is uninformative in the assessment of its pathogenicity. Analysis of this variant using bioinformatics tools for the prediction of the effect of amino acid changes on protein structure and function yielded predictions that this variant is benign. Based on the available information, we are unable to determine the clinical significance of this variant.

Color Diagnostics, LLC DBA Color Health
Classification: Uncertain significance for Hereditary cancer-predisposing syndrome. Last evaluated: 2023-12-06. Review status: criteria provided, single submitter. Criteria: ACMG Guidelines, 2015. Collection method: clinical testing. Allele origin: germline.
Comment: This missense variant replaces threonine with lysine at codon 27 of the RAD51D protein. Computational prediction suggests that this variant may not impact protein structure and function. To our knowledge, functional studies have not been reported for this variant. This variant has been reported in an individual affected with breast cancer (PMID: 35264596). This variant also has been reported in pancreatic cancer and colorectal cancer case-control studies in 9/1005 pancreatic cancer cases and 224/23705 unaffected individuals and 100/12501 colorectal cancer cases and 224/23702 unaffected individuals, respectively (PMID: 32980694, 33309985). This variant has been identified in 2/246624 chromosomes in the general population by the Genome Aggregation Database (gnomAD). The available evidence is insufficient to determine the role of this variant in disease conclusively. Therefore, this variant is classified as a Variant of Uncertain Significance.

Baylor Genetics
Classification: Likely benign for Breast-ovarian cancer, familial, susceptibility to, 4. Last evaluated: 2022-11-07. Review status: criteria provided, single submitter. Criteria: ACMG Guidelines, 2015. Collection method: clinical testing. Allele origin: unknown.

Cancer Genomics Group, Japanese Foundation For Cancer Research
Classification: Uncertain significance for Hereditary breast and ovarian cancer syndrome. Last evaluated: 2019-05-01. Review status: criteria provided, single submitter. Criteria: ACMG Guidelines, 2015. Collection method: research. Allele origin: germline. Affected: yes.

Fulgent Genetics
Classification: Uncertain significance for Breast-ovarian cancer, familial, susceptibility to, 4. Last evaluated: 2018-10-31. Review status: criteria provided, single submitter. Criteria: ACMG Guidelines, 2015. Collection method: clinical testing. Allele origin: unknown.

Mendelics
Classification: Uncertain significance for Hereditary breast and ovarian cancer syndrome. Last evaluated: 2018-07-02. Review status: criteria provided, single submitter. Criteria: Mendelics Assertion Criteria 2017. Collection method: clinical testing. Allele origin: unknown.

Literature cited by the submitters: PubMed 35264596 (cited by 5 submitters); PubMed 36243179 (cited by Women's Health and Genetics/Laboratory Corporation of America, LabCorp); PubMed 41085800 (cited by Women's Health and Genetics/Laboratory Corporation of America, LabCorp); PubMed 39831988 (cited by Women's Health and Genetics/Laboratory Corporation of America, LabCorp); PubMed 33309985 (cited by 3 submitters); PubMed 32980694 (cited by Quest Diagnostics Nichols Institute San Juan Capistrano and Color Diagnostics, LLC DBA Color Health).